The following is an entry in ClinVar:

ClinVar aggregate classification (germline): Likely pathogenic (1 of 4 stars; one submission).

Conditions:
Zellweger spectrum disorders (ZS). Also called: Zellweger syndrome; Zellweger Spectrum Disorder; Zellweger Spectrum; Zellweger Spectrum Disorder (ZSD). Identifiers: Orphanet 912, MedGen C0043459, MONDO:0019609.

Submission:

Natera, Inc.
Classification: Likely pathogenic for Zellweger syndrome. Last evaluated: 2025-02-18. Review status: criteria provided, single submitter. Criteria: Natera Variant Classification Schema (03/2026). Collection method: clinical testing. Allele origin: germline.
Comment: The c.780del variant in PEX1 is a frameshift variant predicted to shift the reading frame beginning at codon 260 and leads to a stop codon 8 codons downstream. This variant is expected to result in nonsense mediated decay, truncation, or a dysfunctional protein product. This variant is rare in the general population with a frequency below the threshold expected for the associated phenotype(s). Given the available evidence, this variant is classified as Likely Pathogenic.

NM_000466.3(PEX1):c.780del (p.Lys260fs)

Gene: PEX1 (peroxisomal biogenesis factor 1; minus strand). Cytogenetic location: 7q21.2.
Variant type: Deletion.
Coding change: c.780del on transcript NM_000466.3 (MANE Select); coding-DNA position 780, one base deleted (A; older notation c.780delA).
Protein change: p.Lys260fs; shifts the reading frame from lysine 260.
Molecular consequence: frameshift variant.
Genome position (GRCh38, 1-based): chr7:92,517,735, T deleted on the plus strand (A on the coding strand, the reverse complement: PEX1 is on the minus strand); the first of 3 consecutive T bases (chr7:92,517,735-92,517,737); deleting any one gives the same sequence. VCF-style (leftmost placement, unchanged base first): chr7-92517734-GT-G. GRCh37 (hg19) VCF-style: chr7-92147048-GT-G.
Other names: c.780del, p.Lys260fs (NM_001282677.2); c.156del, p.Lys52fs (NM_001282678.2); short protein forms K260fs, K52fs.
Identifiers: ClinVar variation 4059557 (VCV004059557.2).